The following is an entry in ClinVar:

ClinVar aggregate classification (germline): Uncertain significance (1 of 4 stars; one submission).

Conditions:
Hereditary cancer-predisposing syndrome. Also called: Neoplastic Syndromes, Hereditary; Tumor predisposition; Hereditary Cancer Syndrome; Hereditary neoplastic syndrome. Identifiers: Orphanet 140162, MedGen C0027672, MeSH D009386, MONDO:0015356.

Submission:

Ambry Genetics
Classification: Uncertain significance for Hereditary cancer-predisposing syndrome. Last evaluated: 2025-11-28. Review status: criteria provided, single submitter. Criteria: Ambry Variant Classification Scheme 2023. Collection method: clinical testing. Allele origin: germline.
Comment: The p.S12A variant (also known as c.34T>G), located in coding exon 1 of the PHOX2B gene, results from a T to G substitution at nucleotide position 34. The serine at codon 12 is replaced by alanine, an amino acid with similar properties. This amino acid position is conserved. In addition, the in silico prediction for this alteration is inconclusive. Based on the available evidence, the clinical significance of this variant remains unclear.

NM_003924.4(PHOX2B):c.34T>G (p.Ser12Ala)

Genes: PHOX2B (paired like homeobox 2B; minus strand), PHOX2B-AS1 (PHOX2B antisense RNA 1; plus strand). Cytogenetic location: 4p13.
Variant type: single nucleotide variant.
Coding change: c.34T>G on transcript NM_003924.4 (MANE Select); coding-DNA position 34, T replaced by G.
Protein change: p.Ser12Ala; replaces serine 12 with alanine.
Molecular consequence: missense variant. On other transcripts: non-coding transcript variant (1).
Genome position (GRCh38, 1-based): chr4:41,748,577, A>C on the plus strand (T>G on the coding strand, the complement: PHOX2B is on the minus strand). VCF-style: chr4-41748577-A-C. GRCh37 (hg19) VCF-style: chr4-41750594-A-C.
Other names: short protein forms S12A.
Identifiers: ClinVar variation 4666143 (VCV004666143.1).